The following is an entry in ClinVar:

ClinVar aggregate classification (germline): Uncertain significance (1 of 4 stars; one submission).

Conditions:
Hereditary nonpolyposis colorectal neoplasms. Identifiers: MedGen C0009405, MeSH D003123.

Allele frequency attached by ClinVar (database versions not stated): gnomAD exomes below 0.00001.
gnomAD v4.1: 1 of 1,612,218 alleles (0.000062%); highest among the groups gnomAD compares: Non-Finnish European, 0.000085%; no homozygotes.

Submission:

Labcorp Genetics (formerly Invitae), Labcorp
Classification: Uncertain significance for Hereditary nonpolyposis colorectal neoplasms. Last evaluated: 2022-12-26. Review status: criteria provided, single submitter. Criteria: Invitae Variant Classification Sherloc (09022015). Collection method: clinical testing. Allele origin: germline.
Comment: In summary, the available evidence is currently insufficient to determine the role of this variant in disease. Therefore, it has been classified as a Variant of Uncertain Significance. Algorithms developed to predict the effect of sequence changes on RNA splicing suggest that this variant may create or strengthen a splice site. Advanced modeling of protein sequence and biophysical properties (such as structural, functional, and spatial information, amino acid conservation, physicochemical variation, residue mobility, and thermodynamic stability) performed at Invitae indicates that this missense variant is not expected to disrupt MSH6 protein function. This variant has not been reported in the literature in individuals affected with MSH6-related conditions. This variant is not present in population databases (gnomAD no frequency). This sequence change replaces leucine, which is neutral and non-polar, with valine, which is neutral and non-polar, at codon 17 of the MSH6 protein (p.Leu17Val).

NM_000179.3(MSH6):c.49C>G (p.Leu17Val)

Gene: MSH6 (mutS homolog 6; plus strand). Cytogenetic location: 2p16.3.
Variant type: single nucleotide variant.
Coding change: c.49C>G on transcript NM_000179.3 (MANE Select); coding-DNA position 49, C replaced by G.
Protein change: p.Leu17Val; replaces leucine 17 with valine.
Molecular consequence: missense variant. On other transcripts: 5 prime UTR variant (8), non-coding transcript variant (5), intron variant (5).
Genome position (GRCh38, 1-based): chr2:47,783,282, C>G. VCF-style: chr2-47783282-C-G. GRCh37 (hg19) VCF-style: chr2-48010421-C-G.
Other names: c.49C>G, p.Leu17Val (NM_001281492.2, NM_001406795.1, NM_001406796.1 and 9 more transcripts); c.-688C>G (NM_001281493.2, NM_001406811.1); c.-280C>G (NM_001406799.1); c.-7C>G (NM_001406804.1); c.-880C>G (NM_001406807.1); c.-535C>G (NM_001406812.1); c.-946C>G (NM_001406814.1); c.-491C>G (NM_001406816.1); and 3 more; short protein forms L17V.
Identifiers: ClinVar variation 3003810 (VCV003003810.3), dbSNP rs2103933185, ClinGen allele CA346734545.